The following is an entry in ClinVar:

NM_017849.4(TMEM127):c.65C>G (p.Ala22Gly)

Genes: TMEM127 (transmembrane protein 127; minus strand), LOC129934333 (ATAC-STARR-seq lymphoblastoid silent region 11759; plus strand). Cytogenetic location: 2q11.2.
Variant type: single nucleotide variant.
Coding change: c.65C>G on transcript NM_017849.4 (MANE Select); coding-DNA position 65, C replaced by G.
Protein change: p.Ala22Gly; replaces alanine 22 with glycine.
Molecular consequence: missense variant. On other transcripts: intron variant (1).
Genome position (GRCh38, 1-based): chr2:96,265,317, G>C on the plus strand (C>G on the coding strand, the complement: TMEM127 is on the minus strand). VCF-style: chr2-96265317-G-C. GRCh37 (hg19) VCF-style: chr2-96931055-G-C.
Other names: c.65C>G, p.Ala22Gly (NM_001193304.3); c.-9+552C>G (NM_001407283.1); short protein forms A22G.
Identifiers: ClinVar variation 2786939 (VCV002786939.3), dbSNP rs1573977937, ClinGen allele CA347656184.
Genomic context (GRCh38, chr2:96,265,317, plus strand): 5'-GTGATAGACAGGGCGCCAGGCAGGGCCGAGGCCAGGCTACGCTCCGGCTGCTTGGGCAGA[G>C]CGCTGCCTCCCGGGCTCCTCCGCCGGCGCCCGCCGGGCAGCCCTGCGCCTCCGGGGGCGT-3'
Protein context (NP_060319.1, residues 12-32): GRRRRSPGGS[Ala22Gly]LPKQPERSLA

ClinVar aggregate classification (germline): Uncertain significance (1 of 4 stars; one submission).

Conditions:
Hereditary pheochromocytoma and paraganglioma. Also called: Hereditary Paraganglioma-Pheochromocytoma Syndromes; Hereditary pheochromocytoma-paraganglioma; Hereditary paragangliomas and pheochromocytomas. Identifiers: Orphanet 29072, MedGen C4274332, MONDO:0017366.

Submission:

Labcorp Genetics (formerly Invitae), Labcorp
Classification: Uncertain significance for Hereditary pheochromocytoma and paraganglioma. Last evaluated: 2024-01-06. Review status: criteria provided, single submitter. Criteria: Invitae Variant Classification Sherloc (09022015). Collection method: clinical testing. Allele origin: germline.
Comment: This sequence change replaces alanine, which is neutral and non-polar, with glycine, which is neutral and non-polar, at codon 22 of the TMEM127 protein (p.Ala22Gly). This variant is not present in population databases (gnomAD no frequency). This variant has not been reported in the literature in individuals affected with TMEM127-related conditions. Experimental studies and prediction algorithms are not available or were not evaluated, and the functional significance of this variant is currently unknown. In summary, the available evidence is currently insufficient to determine the role of this variant in disease. Therefore, it has been classified as a Variant of Uncertain Significance.